The following is an entry in ClinVar:

NM_005802.5(TOPORS):c.2612A>G (p.Tyr871Cys)

Gene: TOPORS (TOP1 binding arginine/serine rich protein, E3 ubiquitin ligase; minus strand). Cytogenetic location: 9p21.1.
Variant type: single nucleotide variant.
Coding change: c.2612A>G on transcript NM_005802.5 (MANE Select); coding-DNA position 2612, A replaced by G.
Protein change: p.Tyr871Cys; replaces tyrosine 871 with cysteine.
Molecular consequence: missense variant.
Genome position (GRCh38, 1-based): chr9:32,541,913, T>C on the plus strand (A>G on the coding strand, the complement: TOPORS is on the minus strand). VCF-style: chr9-32541913-T-C. GRCh37 (hg19) VCF-style: chr9-32541911-T-C.
Other names: c.2417A>G, p.Tyr806Cys (NM_001195622.2); short protein forms Y806C, Y871C.
Identifiers: ClinVar variation 2871361 (VCV002871361.3), dbSNP rs1191429540, ClinGen allele CA373162407.

ClinVar aggregate classification (germline): Uncertain significance (1 of 4 stars; one submission).

Allele frequency attached by ClinVar (database versions not stated): gnomAD exomes 0.00001.
gnomAD v4.1: 3 of 1,614,038 alleles (0.00019%); highest among the groups gnomAD compares: Middle Eastern, 0.016%; no homozygotes.

Submission:

Labcorp Genetics (formerly Invitae), Labcorp
Classification: Uncertain significance. Last evaluated: 2023-01-06. Review status: criteria provided, single submitter. Criteria: Invitae Variant Classification Sherloc (09022015). Collection method: clinical testing. Allele origin: germline.
Comment: This sequence change replaces tyrosine, which is neutral and polar, with cysteine, which is neutral and slightly polar, at codon 871 of the TOPORS protein (p.Tyr871Cys). This variant is present in population databases (no rsID available, gnomAD 0.0009%). This variant has not been reported in the literature in individuals affected with TOPORS-related conditions. Algorithms developed to predict the effect of missense changes on protein structure and function are either unavailable or do not agree on the potential impact of this missense change (SIFT: "Deleterious"; PolyPhen-2: "Not Available"; Align-GVGD: "Class C0"). In summary, the available evidence is currently insufficient to determine the role of this variant in disease. Therefore, it has been classified as a Variant of Uncertain Significance.